The following is an entry in ClinVar:

NM_001204.7(BMPR2):c.2143G>T (p.Val715Leu)

Gene: BMPR2 (bone morphogenetic protein receptor type 2; plus strand). Cytogenetic location: 2q33.2.
Variant type: single nucleotide variant.
Coding change: c.2143G>T on transcript NM_001204.7 (MANE Select); coding-DNA position 2143, G replaced by T.
Protein change: p.Val715Leu; replaces valine 715 with leucine.
Molecular consequence: missense variant.
Genome position (GRCh38, 1-based): chr2:202,555,808, G>T. VCF-style: chr2-202555808-G-T. GRCh37 (hg19) VCF-style: chr2-203420531-G-T.
Other names: short protein forms V715L.
Identifiers: ClinVar variation 3992168 (VCV003992168.1).

ClinVar aggregate classification (germline): Uncertain significance (1 of 4 stars; one submission).

Conditions:
Inborn genetic diseases. Identifiers: MedGen C0950123, MeSH D030342.

Submission:

Ambry Genetics
Classification: Uncertain significance for Inborn genetic diseases. Last evaluated: 2025-05-16. Review status: criteria provided, single submitter. Criteria: Ambry Variant Classification Scheme 2023. Collection method: clinical testing. Allele origin: germline.
Comment: The p.V715L variant (also known as c.2143G>T), located in coding exon 12 of the BMPR2 gene, results from a G to T substitution at nucleotide position 2143. The valine at codon 715 is replaced by leucine, an amino acid with highly similar properties. This amino acid position is conserved. In addition, the in silico prediction for this alteration is inconclusive. Based on the available evidence, the clinical significance of this variant remains unclear.